The following is an entry in ClinVar:

NM_130384.3(ATRIP):c.2152C>T (p.Arg718Cys)

Genes: ATRIP (ATR interacting protein; plus strand), ATRIP-TREX1 (ATRIP-TREX1 readthrough; plus strand). Cytogenetic location: 3p21.31.
Variant type: single nucleotide variant.
Coding change: c.2152C>T on transcript NM_130384.3 (MANE Select); coding-DNA position 2152, C replaced by T.
Protein change: p.Arg718Cys; replaces arginine 718 with cysteine.
Molecular consequence: missense variant. On other transcripts: non-coding transcript variant (1).
Genome position (GRCh38, 1-based): chr3:48,464,927, C>T. VCF-style: chr3-48464927-C-T. GRCh37 (hg19) VCF-style: chr3-48506326-C-T.
Other names: c.1771C>T, p.Arg591Cys (NM_001271022.2); c.1873C>T, p.Arg625Cys (NM_001271023.2); c.2071C>T, p.Arg691Cys (NM_032166.4); short protein forms R625C, R691C, R718C, R591C.
Identifiers: ClinVar variation 2292635 (VCV002292635.3), dbSNP rs374761739, ClinGen allele CA2376413.
Genomic context (GRCh38, chr3:48,464,927, plus strand): 5'-TGGCTGACAGTGCGGAGGGCAGGGGGACCCCCAAGGACCGACCAGCAGAGGCGGACAGTG[C>T]GCTGTCTGCGGGACACGGTGCTGCTGCTGCACGGCCTATCGCAGAAGGACAAGCTCTTCA-3'
Protein context (NP_569055.1, residues 708-728): PRTDQQRRTV[Arg718Cys]CLRDTVLLLH

ClinVar aggregate classification (germline): Uncertain significance (1 of 4 stars; one submission).

Allele frequency attached by ClinVar (database versions not stated): ExAC 0.00001; gnomAD exomes 0.00001; TOPMed 0.00001; gnomAD 0.00003; ESP Exome Variant Server 0.00008.
gnomAD v4.1: 15 of 1,614,036 alleles (0.00093%); highest among the groups gnomAD compares: African/African-American, 0.0093%; no homozygotes.

Submission:

Ambry Genetics
Classification: Uncertain significance. Last evaluated: 2025-01-19. Review status: criteria provided, single submitter. Criteria: Ambry Variant Classification Scheme 2023. Collection method: clinical testing. Allele origin: germline.
Comment: The p.R718C variant (also known as c.2152C>T), located in coding exon 12 of the ATRIP gene, results from a C to T substitution at nucleotide position 2152. The arginine at codon 718 is replaced by cysteine, an amino acid with highly dissimilar properties. This amino acid position is conserved. In addition, the in silico prediction for this alteration is inconclusive. Based on the available evidence, the clinical significance of this variant remains unclear.